The following is an entry in ClinVar:

ClinVar aggregate classification (germline): Uncertain significance. Review status: criteria provided, multiple submitters, no conflicts (2 of 4 stars). 5 submissions from 5 submitters: Uncertain significance (5). Last evaluated 2025-10-21.

Conditions:
Cardiovascular phenotype. Identifiers: MedGen CN230736.
Arrhythmogenic right ventricular cardiomyopathy (ARVD). Also called: Arrhythmogenic cardiomyopathy; Cardiomyopathy, ARVC; Arrhythmogenic right ventricular dysplasia; Arrhythmogenic Right Ventricular Cardiomyopathy (ARVC). Identifiers: Orphanet 247, MedGen C0349788, MeSH D019571, MONDO:0016587. Disease mechanism: loss of function. Inheritance: Various modes of inheritance.
Cardiomyopathy (CMYO). Also called: Cardiomyopathies. Identifiers: Orphanet 167848, MedGen C0878544, MONDO:0004994, HP:0001638. Inheritance: Various modes of inheritance.
Arrhythmogenic right ventricular dysplasia 10. Also called: Arrhythmogenic Right Ventricular Dysplasia/Cardiomyopathy10; ARRHYTHMOGENIC RIGHT VENTRICULAR DYSPLASIA, FAMILIAL, 10; Arrhythmogenic right ventricular dysplasia/cardiomyopathy, type 10. Identifiers: MedGen C1857777, MONDO:0012434, OMIM 610193.

Allele frequency attached by ClinVar (database versions not stated): gnomAD exomes below 0.00001; ExAC 0.00001; gnomAD 0.00001; TOPMed 0.00002; ESP Exome Variant Server 0.00008.
gnomAD v4.1: 3 of 1,613,850 alleles (0.00019%); highest among the groups gnomAD compares: African/African-American, 0.0027%; no homozygotes.

Submissions (5):

Color Diagnostics, LLC DBA Color Health
Classification: Uncertain significance for Cardiomyopathy. Last evaluated: 2025-10-21. Review status: criteria provided, single submitter. Criteria: ACMG Guidelines, 2015. Collection method: clinical testing. Allele origin: germline.
Comment: This missense variant replaces asparagine with serine at codon 153 of the DSG2 protein. Computational prediction suggests that this variant may have deleterious impact on protein structure and function. To our knowledge, functional studies have not been reported for this variant. This variant has not been reported in individuals affected with DSG2-related disorders in the literature. This variant has been identified in 3/1613850 chromosomes in the general population by the Genome Aggregation Database (gnomAD). The available evidence is insufficient to determine the role of this variant in disease conclusively. Therefore, this variant is classified as a Variant of Uncertain Significance.

Labcorp Genetics (formerly Invitae), Labcorp
Classification: Uncertain significance for Arrhythmogenic right ventricular dysplasia 10. Last evaluated: 2025-10-19. Review status: criteria provided, single submitter. Criteria: Invitae Variant Classification Sherloc (09022015). Collection method: clinical testing. Allele origin: germline.
Comment: This sequence change replaces asparagine, which is neutral and polar, with serine, which is neutral and polar, at codon 153 of the DSG2 protein (p.Asn153Ser). This variant is present in population databases (rs375597675, gnomAD 0.008%). This variant has not been reported in the literature in individuals affected with DSG2-related conditions. ClinVar contains an entry for this variant (Variation ID: 922296). Invitae Evidence Modeling of protein sequence and biophysical properties (such as structural, functional, and spatial information, amino acid conservation, physicochemical variation, residue mobility, and thermodynamic stability) has been performed for this missense variant. However, the output from this modeling did not meet the statistical confidence thresholds required to predict the impact of this variant on DSG2 protein function. In summary, the available evidence is currently insufficient to determine the role of this variant in disease. Therefore, it has been classified as a Variant of Uncertain Significance.

All of Us Research Program, National Institutes of Health
Classification: Uncertain significance for Arrhythmogenic right ventricular cardiomyopathy. Last evaluated: 2023-11-30. Review status: criteria provided, single submitter. Criteria: ACMG Guidelines, 2015. Collection method: clinical testing. Allele origin: germline. Inheritance: Autosomal dominant inheritance. Observed: 1 variant allele, 1 heterozygote.
Comment: This missense variant replaces asparagine with serine at codon 153 of the DSG2 protein. Computational prediction tools and conservation analyses suggest that this variant may have deleterious impact on protein function. Computational splicing tools suggest that this variant may not impact RNA splicing. To our knowledge, functional assays have not been performed for this variant nor has this variant been reported in individuals affected with cardiovascular disorders in the literature. This variant has been identified in 2/280734 chromosomes in the general population by the Genome Aggregation Database (gnomAD). Available evidence is insufficient to determine the role of this variant in disease conclusively. Therefore, this variant is classified as a Variant of Uncertain Significance.

This study involves interpretation of variants in research participants for the purpose of population health screening. Participant phenotype was not available at the time of variant classification. Additional details can be found in publication PMID: 35346344, PMCID: PMC8962531

Ambry Genetics
Classification: Uncertain significance for Cardiovascular phenotype. Last evaluated: 2023-11-27. Review status: criteria provided, single submitter. Criteria: Ambry Variant Classification Scheme 2023. Collection method: clinical testing. Allele origin: germline.
Comment: The p.N153S variant (also known as c.458A>G), located in coding exon 5 of the DSG2 gene, results from an A to G substitution at nucleotide position 458. The asparagine at codon 153 is replaced by serine, an amino acid with highly similar properties. This alteration was reported in a family with Liddle syndrome, however the alteration did not segregate with disease in affected family members (Kozina AA et al. BMC Nephrol, 2019 Oct;20:389). This amino acid position is highly conserved in available vertebrate species. In addition, the in silico prediction for this alteration is inconclusive. Since supporting evidence is limited at this time, the clinical significance of this alteration remains unclear.

AiLife Diagnostics
Classification: Uncertain significance. Last evaluated: 2021-06-07. Review status: criteria provided, single submitter. Criteria: ACMG Guidelines, 2015. Collection method: clinical testing. Allele origin: germline. Affected: yes. Observed: 1 variant allele.

Literature cited by the submitters: PubMed 31655555 (cited by Ambry Genetics).

NM_001943.5(DSG2):c.458A>G (p.Asn153Ser)

Gene: DSG2 (desmoglein 2; plus strand). Cytogenetic location: 18q12.1.
Variant type: single nucleotide variant.
Coding change: c.458A>G on transcript NM_001943.5 (MANE Select); coding-DNA position 458, A replaced by G.
Protein change: p.Asn153Ser; replaces asparagine 153 with serine.
Molecular consequence: missense variant.
Genome position (GRCh38, 1-based): chr18:31,521,178, A>G. VCF-style: chr18-31521178-A-G. GRCh37 (hg19) VCF-style: chr18-29101141-A-G.
Other names: c.458A>G (NM_001943.3); short protein forms N153S.
Identifiers: ClinVar variation 922296 (VCV000922296.16), dbSNP rs375597675, ClinGen allele CA048877.
Genomic context (GRCh38, chr18:31,521,178, plus strand): 5'-ATGCAAGAGGAAACAATGTAGAGAAACCCTTAGAGCTACGCATTAAGGTTCTTGATATCA[A>G]TGACAACGAACCAGTGTTCACACAGGATGTCTTTGTTGGGTCTGTTGAAGAGTTGAGTGC-3'
Protein context (NP_001934.2, residues 143-163): LELRIKVLDI[Asn153Ser]DNEPVFTQDV